The following is an entry in ClinVar:

NM_002299.4(LCT):c.433G>A (p.Glu145Lys)

Gene: LCT (lactase; minus strand). Cytogenetic location: 2q21.3.
Variant type: single nucleotide variant.
Coding change: c.433G>A on transcript NM_002299.4 (MANE Select); coding-DNA position 433, G replaced by A.
Protein change: p.Glu145Lys; replaces glutamic acid 145 with lysine.
Molecular consequence: missense variant.
Genome position (GRCh38, 1-based): chr2:135,836,737, C>T on the plus strand (G>A on the coding strand, the complement: LCT is on the minus strand). VCF-style: chr2-135836737-C-T. GRCh37 (hg19) VCF-style: chr2-136594307-C-T.
Other names: c.433G>A (NM_002299.2); short protein forms E145K.
Identifiers: ClinVar variation 1395906 (VCV001395906.6), dbSNP rs769946768, ClinGen allele CA1888635.
Genomic context (GRCh38, chr2:135,836,737, plus strand): 5'-GGTCCCCGAAGGAGTGGAAGGCGAATGTGGCATAGTCGGCGAAGAGGTCAGCAAAGGCTT[C>T]GGTTCTCCGGAGGGTGCTGGCAGGGAGGGTCTGGTGGTGCAGGATGACCATGGGCTGAAG-3'
Protein context (NP_002290.2, residues 135-155): TLPASTLRRT[Glu145Lys]AFADLFADYA

ClinVar aggregate classification (germline): Uncertain significance. Review status: criteria provided, multiple submitters, no conflicts (2 of 4 stars). 2 submissions from 2 submitters: Uncertain significance (2). Last evaluated 2022-10-05.

Conditions:
Inborn genetic diseases. Identifiers: MedGen C0950123, MeSH D030342.

Allele frequency attached by ClinVar (database versions not stated): gnomAD exomes 0.00001 and 0.00004; ExAC 0.00002; gnomAD 0.00002; TOPMed 0.00003.
gnomAD v4.1: 19 of 1,613,998 alleles (0.0012%); highest among the groups gnomAD compares: East Asian, 0.025%; no homozygotes.

Submissions (2):

Labcorp Genetics (formerly Invitae), Labcorp
Classification: Uncertain significance. Last evaluated: 2022-10-05. Review status: criteria provided, single submitter. Criteria: Invitae Variant Classification Sherloc (09022015). Collection method: clinical testing. Allele origin: germline.
Comment: This sequence change replaces glutamic acid, which is acidic and polar, with lysine, which is basic and polar, at codon 145 of the LCT protein (p.Glu145Lys). This variant is present in population databases (rs769946768, gnomAD 0.06%). This variant has not been reported in the literature in individuals affected with LCT-related conditions. ClinVar contains an entry for this variant (Variation ID: 1395906). Algorithms developed to predict the effect of missense changes on protein structure and function are either unavailable or do not agree on the potential impact of this missense change (SIFT: "Not Available"; PolyPhen-2: "Benign"; Align-GVGD: "Not Available"). In summary, the available evidence is currently insufficient to determine the role of this variant in disease. Therefore, it has been classified as a Variant of Uncertain Significance.

Ambry Genetics
Classification: Uncertain significance for Inborn genetic diseases. Last evaluated: 2022-06-24. Review status: criteria provided, single submitter. Criteria: Ambry Variant Classification Scheme 2023. Collection method: clinical testing. Allele origin: germline.